The following is an entry in ClinVar:

ClinVar aggregate classification (germline): Conflicting classifications of pathogenicity. Review status: criteria provided, conflicting classifications (1 of 4 stars). 2 submissions from 2 submitters: Likely pathogenic (1); Uncertain significance (1). Last evaluated 2025-09-20.

Conditions:
Charcot-Marie-Tooth disease axonal type 2O. Also called: Charcot-Marie-Tooth Neuropathy Type 2O; CHARCOT-MARIE-TOOTH NEUROPATHY, AXONAL, TYPE 2O; CHARCOT-MARIE-TOOTH DISEASE, AXONAL, AUTOSOMAL DOMINANT, TYPE 2O; Charcot-Marie-Tooth disease, axonal, type 20. Identifiers: Orphanet 284232, MedGen C3280220, MONDO:0013644, OMIM 614228.
Cortical dysplasia, complex, with other brain malformations 13. Also called: Intellectual disability, autosomal dominant 13. Identifiers: MedGen C3281202, MONDO:0013805, OMIM 614563.

Submissions (2):

Labcorp Genetics (formerly Invitae), Labcorp
Classification: Uncertain significance for Charcot-Marie-Tooth disease axonal type 2O. Last evaluated: 2025-09-20. Review status: criteria provided, single submitter. Criteria: Invitae Variant Classification Sherloc (09022015). Collection method: clinical testing. Allele origin: germline.
Comment: This sequence change replaces leucine, which is neutral and non-polar, with phenylalanine, which is neutral and non-polar, at codon 1968 of the DYNC1H1 protein (p.Leu1968Phe). This variant is not present in population databases (gnomAD no frequency). This variant has not been reported in the literature in individuals affected with DYNC1H1-related conditions. ClinVar contains an entry for this variant (Variation ID: 2500271). Invitae Evidence Modeling of protein sequence and biophysical properties (such as structural, functional, and spatial information, amino acid conservation, physicochemical variation, residue mobility, and thermodynamic stability) has been performed for this missense variant. However, the output from this modeling did not meet the statistical confidence thresholds required to predict the impact of this variant on DYNC1H1 protein function. In summary, the available evidence is currently insufficient to determine the role of this variant in disease. Therefore, it has been classified as a Variant of Uncertain Significance.

Equipe Genetique des Anomalies du Developpement, Université de Bourgogne
Classification: Likely pathogenic for Cortical dysplasia, complex, with other brain malformations 13. Last evaluated: 2022-10-17. Review status: criteria provided, single submitter. Criteria: ACMG Guidelines, 2015. Collection method: clinical testing. Allele origin: de novo. Affected: yes.

Literature cited by the submitters: PubMed 32656949 (cited by Equipe Genetique des Anomalies du Developpement, Université de Bourgogne).

NM_001376.5(DYNC1H1):c.5902C>T (p.Leu1968Phe)

Gene: DYNC1H1 (dynein cytoplasmic 1 heavy chain 1; plus strand). Cytogenetic location: 14q32.31.
Variant type: single nucleotide variant.
Coding change: c.5902C>T on transcript NM_001376.5 (MANE Select); coding-DNA position 5902, C replaced by T.
Protein change: p.Leu1968Phe; replaces leucine 1968 with phenylalanine.
Molecular consequence: missense variant.
Genome position (GRCh38, 1-based): chr14:102,008,262, C>T. VCF-style: chr14-102008262-C-T. GRCh37 (hg19) VCF-style: chr14-102474599-C-T.
Other names: short protein forms L1968F.
Identifiers: ClinVar variation 2500271 (VCV002500271.2), dbSNP rs2503746947, ClinGen allele CA391051595.